The following is an entry in ClinVar:

ClinVar aggregate classification (germline): Conflicting classifications of pathogenicity. Review status: criteria provided, conflicting classifications (1 of 4 stars). 8 submissions from 8 submitters: Uncertain significance (1); Benign (2); Likely benign (3). 2 of the submissions do not count toward it. Last evaluated 2026-02-04.

Conditions:
ERCC2-related disorder. Also called: ERCC2-related disorders; ERCC2-related conditions; ERCC2-related condition. Identifiers: MedGen CN239291.
Cerebrooculofacioskeletal syndrome 2 (COFS2). Identifiers: MedGen C1853102, MONDO:0012553, OMIM 610756.
Xeroderma pigmentosum, group D (XPD). Also called: XERODERMA PIGMENTOSUM IV; XP, GROUP D; XP, GROUP H; XERODERMA PIGMENTOSUM, COMPLEMENTATION GROUP D; ERCC2-Related Xeroderma Pigmentosum. Identifiers: MedGen C0268138, MONDO:0010212, OMIM 278730.
Trichothiodystrophy 1, photosensitive (TTD1). Also called: TAY SYNDROME; TRICHOTHIODYSTROPHY WITH CONGENITAL ICHTHYOSIS; PIBIDS SYNDROME. Identifiers: Orphanet 33364, MedGen C1866504, MONDO:0011125, OMIM 601675.
Xeroderma pigmentosum (XP). Identifiers: Orphanet 910, MedGen C0043346, MONDO:0019600.

Allele frequency attached by ClinVar (database versions not stated): gnomAD exomes 0.00057 and 0.00162; gnomAD 0.00064 and 0.00068; ESP Exome Variant Server 0.00085; TOPMed 0.00090; ExAC 0.00116.
gnomAD v4.1: 1,010 of 1,613,814 alleles (0.063%); highest among the groups gnomAD compares: Admixed American, 0.29%; 9 homozygotes.

Submissions (12):

Labcorp Genetics (formerly Invitae), Labcorp
Classification: Likely benign. Last evaluated: 2026-02-04. Review status: criteria provided, single submitter. Criteria: Invitae Variant Classification Sherloc (09022015). Collection method: clinical testing. Allele origin: germline.

CeGaT Center for Human Genetics Tuebingen
Classification: Benign. Last evaluated: 2025-10-01. Review status: criteria provided, single submitter. Criteria: CeGaT Center For Human Genetics Tuebingen Variant Classification Criteria Version 2. Collection method: clinical testing. Allele origin: germline. Affected: yes. Observed: 4 variant alleles.
Comment: ERCC2: PP3, BS1, BS2

Blueprint Genetics
Classification: Likely benign. Last evaluated: 2024-11-08. Review status: criteria provided, single submitter. Criteria: ACMG Guidelines, 2015. Collection method: clinical testing. Allele origin: germline.

Department of Pathology and Laboratory Medicine, Sinai Health System
Classification: Likely benign for Xeroderma pigmentosum, group D; Trichothiodystrophy 1, photosensitive; Cerebrooculofacioskeletal syndrome 2. Last evaluated: 2023-05-17. Review status: criteria provided, single submitter. Criteria: ACMG Guidelines, 2015. Collection method: research. Allele origin: germline.

Sema4
Classification: Benign for Xeroderma pigmentosum. Last evaluated: 2020-07-28. Review status: criteria provided, single submitter. Criteria: Sema4 Curation Guidelines. Collection method: curation. Allele origin: germline.

Illumina Laboratory Services, Illumina
Classification: Uncertain significance for Xeroderma pigmentosum, group D. Last evaluated: 2017-04-27. Review status: criteria provided, single submitter. Criteria: ICSL Variant Classification Criteria 13 December 2019. Collection method: clinical testing. Allele origin: germline.

PreventionGenetics, part of Exact Sciences
Classification: Benign for ERCC2-related condition. Last evaluated: 2020-05-22. Review status: no assertion criteria provided. Collection method: clinical testing. Allele origin: germline. Not counted in ClinVar's aggregate classification.
Comment: This variant is classified as benign based on ACMG/AMP sequence variant interpretation guidelines (Richards et al. 2015 PMID: 25741868, with internal and published modifications).

ITMI
No classification provided. Condition: AllHighlyPenetrant. Last evaluated: 2013-09-19. Review status: no classification provided. Collection method: reference population. Allele origin: germline. Not counted in ClinVar's aggregate classification.
Comment: Please see associated publication for description of ethnicities

Dr. Peter K. Rogan Lab, Western University
No classification provided (evidence only). Condition: Melanoma. Review status: no classification provided. Collection method: in vitro. Allele origin: not applicable. Functional consequence: retained intron. Not counted in ClinVar's aggregate classification.

Dr. Peter K. Rogan Lab, Western University
No classification provided (evidence only). Condition: Colorectal cancer. Review status: no classification provided. Collection method: in vitro. Allele origin: not applicable. Functional consequence: retained intron. Not counted in ClinVar's aggregate classification.

Dr. Peter K. Rogan Lab, Western University
No classification provided (evidence only). Condition: Thyroid cancer, nonmedullary, 1. Review status: no classification provided. Collection method: in vitro. Allele origin: not applicable. Functional consequence: retained intron. Not counted in ClinVar's aggregate classification.

Dr. Peter K. Rogan Lab, Western University
No classification provided (evidence only). Condition: Cervical cancer. Review status: no classification provided. Collection method: in vitro. Allele origin: not applicable. Functional consequence: retained intron. Not counted in ClinVar's aggregate classification.

Literature cited by the submitters: PubMed 24728327 (cited by ITMI).

NM_000400.4(ERCC2):c.1904C>T (p.Ala635Val)

Gene: ERCC2 (ERCC excision repair 2, TFIIH core complex helicase subunit; minus strand). Cytogenetic location: 19q13.32.
Variant type: single nucleotide variant.
Coding change: c.1904C>T on transcript NM_000400.4 (MANE Select); coding-DNA position 1904, C replaced by T.
Protein change: p.Ala635Val; replaces alanine 635 with valine.
Molecular consequence: missense variant.
Genome position (GRCh38, 1-based): chr19:45,352,648, G>A on the plus strand (C>T on the coding strand, the complement: ERCC2 is on the minus strand). VCF-style: chr19-45352648-G-A. GRCh37 (hg19) VCF-style: chr19-45855906-G-A.
Other names: short protein forms A635V.
Identifiers: ClinVar variation 134100 (VCV000134100.44), dbSNP rs34517175, ClinGen allele CA158767.